The following is an entry in ClinVar:

NM_030773.4(TUBB1):c.917G>A (p.Arg306His)

Gene: TUBB1 (tubulin beta 1 class VI; plus strand). Cytogenetic location: 20q13.32.
Variant type: single nucleotide variant.
Coding change: c.917G>A on transcript NM_030773.4 (MANE Select); coding-DNA position 917, G replaced by A.
Protein change: p.Arg306His; replaces arginine 306 with histidine.
Molecular consequence: missense variant.
Genome position (GRCh38, 1-based): chr20:59,024,344, G>A. VCF-style: chr20-59024344-G-A. GRCh37 (hg19) VCF-style: chr20-57599399-G-A.
Other names: p.Arg306His; short protein forms R306H.
Identifiers: ClinVar variation 2136722 (VCV002136722.12), dbSNP rs772479017, ClinGen allele CA9928616.

ClinVar aggregate classification (germline): Uncertain significance. Review status: criteria provided, multiple submitters, no conflicts (2 of 4 stars). 3 submissions from 3 submitters: Uncertain significance (3). Last evaluated 2025-12-28.

Allele frequency attached by ClinVar (database versions not stated): TOPMed 0.00002; gnomAD exomes 0.00003; ExAC 0.00004; gnomAD 0.00004.

Submissions (3):

Labcorp Genetics (formerly Invitae), Labcorp
Classification: Uncertain significance. Last evaluated: 2025-12-28. Review status: criteria provided, single submitter. Criteria: Invitae Variant Classification Sherloc (09022015). Collection method: clinical testing. Allele origin: germline.
Comment: This sequence change replaces arginine, which is basic and polar, with histidine, which is basic and polar, at codon 306 of the TUBB1 protein (p.Arg306His). This variant is present in population databases (rs772479017, gnomAD 0.006%). This variant has not been reported in the literature in individuals affected with TUBB1-related conditions. ClinVar contains an entry for this variant (Variation ID: 2136722). Invitae Evidence Modeling of protein sequence and biophysical properties (such as structural, functional, and spatial information, amino acid conservation, physicochemical variation, residue mobility, and thermodynamic stability) indicates that this missense variant is not expected to disrupt TUBB1 protein function with a negative predictive value of 80%. In summary, the available evidence is currently insufficient to determine the role of this variant in disease. Therefore, it has been classified as a Variant of Uncertain Significance.

CeGaT Center for Human Genetics Tuebingen
Classification: Uncertain significance. Last evaluated: 2025-07-01. Review status: criteria provided, single submitter. Criteria: CeGaT Center For Human Genetics Tuebingen Variant Classification Criteria Version 2. Collection method: clinical testing. Allele origin: germline. Affected: yes. Observed: 1 variant allele.

Mayo Clinic Laboratories, Mayo Clinic
Classification: Uncertain significance. Last evaluated: 2025-03-21. Review status: criteria provided, single submitter. Criteria: ACMG Guidelines, 2015. Collection method: clinical testing. Allele origin: germline. Observed: 1 variant allele.